The following is an entry in ClinVar:

ClinVar aggregate classification (germline): Uncertain significance (1 of 4 stars; one submission).

Conditions:
Inborn genetic diseases. Identifiers: MedGen C0950123, MeSH D030342.

Allele frequency attached by ClinVar (database versions not stated): TOPMed below 0.00001; gnomAD 0.00001.
gnomAD v4.1: 4 of 1,613,696 alleles (0.00025%); highest among the groups gnomAD compares: East Asian, 0.0089%; no homozygotes.

Submission:

Ambry Genetics
Classification: Uncertain significance for Inborn genetic diseases. Last evaluated: 2025-02-08. Review status: criteria provided, single submitter. Criteria: Ambry Variant Classification Scheme 2023. Collection method: clinical testing. Allele origin: germline.
Comment: The p.I1039M variant (also known as c.3117T>G), located in coding exon 14 of the MECOM gene, results from a T to G substitution at nucleotide position 3117. The isoleucine at codon 1039 is replaced by methionine, an amino acid with highly similar properties. This amino acid position is conserved. In addition, this alteration is predicted to be tolerated by in silico analysis. Based on the available evidence, the clinical significance of this variant remains unclear.

NM_004991.4(MECOM):c.3117T>G (p.Ile1039Met)

Gene: MECOM (MDS1 and EVI1 complex locus; minus strand). Cytogenetic location: 3q26.2.
Variant type: single nucleotide variant.
Coding change: c.3117T>G on transcript NM_004991.4 (MANE Select); coding-DNA position 3117, T replaced by G.
Protein change: p.Ile1039Met; replaces isoleucine 1039 with methionine.
Molecular consequence: missense variant.
Genome position (GRCh38, 1-based): chr3:169,093,005, A>C on the plus strand (T>G on the coding strand, the complement: MECOM is on the minus strand). VCF-style: chr3-169093005-A-C. GRCh37 (hg19) VCF-style: chr3-168810793-A-C.
Other names: c.2748T>G, p.Ile916Met (NM_001105077.4); c.2553T>G, p.Ile851Met (NM_001105078.4, NM_001205194.2, NM_001366469.2 and 1 more transcripts); c.2529T>G, p.Ile843Met (NM_001163999.2, NM_001366470.2); c.2526T>G, p.Ile842Met (NM_001164000.2, NM_001366471.2, NM_001366472.2); c.3090T>G, p.Ile1030Met (NM_001366466.2); c.2556T>G, p.Ile852Met (NM_001366467.2, NM_001366468.2); c.2118T>G, p.Ile706Met (NM_001366473.2); c.1554T>G, p.Ile518Met (NM_001366474.2); short protein forms I518M, I843M, I916M, I706M, I842M, I1030M, I851M, I1039M.
Identifiers: ClinVar variation 2524514 (VCV002524514.3), dbSNP rs1398331069, ClinGen allele CA355072070.